The following is an entry in ClinVar:

NM_181507.2(HPS5):c.1165-15C>A

Gene: HPS5 (HPS5 biogenesis of lysosomal organelles complex 2 subunit 2; minus strand). Cytogenetic location: 11p15.1.
Variant type: single nucleotide variant.
Coding change: c.1165-15C>A on transcript NM_181507.2 (MANE Select); 15 bases into the intron before coding-DNA position 1165, C replaced by A.
Molecular consequence: intron variant.
Genome position (GRCh38, 1-based): chr11:18,297,732, G>T on the plus strand (C>A on the coding strand, the complement: HPS5 is on the minus strand). VCF-style: chr11-18297732-G-T. GRCh37 (hg19) VCF-style: chr11-18319279-G-T.
Other names: c.751-15C>A (NM_001440929.1, NM_001440928.1, NM_001440927.1); c.823-15C>A (NM_181508.2, NM_001440921.1, NM_001440926.1 and 7 more transcripts); c.1054-15C>A (NM_001440915.1, NM_001440914.1, NM_001440913.1); c.1165-15C>A (NM_001440931.1, NM_001440917.1, NM_001440906.1 and 5 more transcripts); c.1090-15C>A (NM_001440907.1, NM_001440909.1, NM_001440908.1); c.952-15C>A (NM_001440919.1); c.979-15C>A (NM_001440918.1).
Identifiers: ClinVar variation 178779 (VCV000178779.25), dbSNP rs7128146, ClinGen allele CA183018.

ClinVar aggregate classification (germline): Benign/Likely benign. Review status: criteria provided, multiple submitters, no conflicts (2 of 4 stars). 7 submissions from 7 submitters: Benign (6); Likely benign (1). Last evaluated 2026-02-04.

Conditions:
Hermansky-Pudlak syndrome 5 (HPS5). Identifiers: Orphanet 231512, Orphanet 79430, MedGen C3888004, MONDO:0013557, OMIM 614074.

Allele frequency attached by ClinVar (database versions not stated): gnomAD exomes 0.10509 and 0.13622; ESP Exome Variant Server 0.13141; ExAC 0.13578; gnomAD 0.13936 and 0.13983; TOPMed 0.14005; 1000 Genomes Project 30x 0.15397; 1000 Genomes Project 0.15455.
gnomAD v4.1: 174,598 of 1,608,254 alleles (11%); highest among the groups gnomAD compares: Admixed American, 19%; 10,732 homozygotes.

Submissions (22):

Labcorp Genetics (formerly Invitae), Labcorp
Classification: Benign. Last evaluated: 2026-02-04. Review status: criteria provided, single submitter. Criteria: Invitae Variant Classification Sherloc (09022015). Collection method: clinical testing. Allele origin: germline.

Blueprint Genetics
Classification: Likely benign. Last evaluated: 2024-11-27. Review status: criteria provided, single submitter. Criteria: ACMG Guidelines, 2015. Collection method: clinical testing. Allele origin: germline.

GeneDx
Classification: Benign. Last evaluated: 2018-11-12. Review status: criteria provided, single submitter. Criteria: GeneDx Variant Classification Process June 2021. Collection method: clinical testing. Allele origin: germline. Affected: yes.

Illumina Laboratory Services, Illumina
Classification: Benign for Hermansky-Pudlak syndrome 5. Last evaluated: 2018-01-13. Review status: criteria provided, single submitter. Criteria: ICSL Variant Classification Criteria 13 December 2019. Collection method: clinical testing. Allele origin: germline.
Comment: This variant was observed in the ICSL laboratory as part of a predisposition screen in an ostensibly healthy population. It had not been previously curated by ICSL or reported in the Human Gene Mutation Database (HGMD: prior to June 1st, 2018), and was therefore a candidate for classification through an automated scoring system. Utilizing variant allele frequency, disease prevalence and penetrance estimates, and inheritance mode, an automated score was calculated to assess if this variant is too frequent to cause the disease. Based on the score and internal cut-off values, a variant classified as benign is not then subjected to further curation. The score for this variant resulted in a classification of benign for this disease.

Laboratory for Molecular Medicine, Mass General Brigham Personalized Medicine
Classification: Benign. Last evaluated: 2013-02-21. Review status: criteria provided, single submitter. Criteria: LMM Criteria. Collection method: clinical testing. Allele origin: germline. Observed: 22 variant alleles.
Comment: 1165-15C>A in intron 10 of HPS5: This variant is not expected to have clinical s ignificance because it has been identified in 19.6% (860/4396) of African Americ an chromosomes from a broad population by the NHLBI Exome Sequencing Project (dbSNP rs7128146).

Breakthrough Genomics
Classification: Benign. Review status: criteria provided, single submitter. Criteria: ACMG Guidelines, 2015. Collection method: not provided. Allele origin: germline. Inheritance: Autosomal recessive inheritance. Affected: yes.

PreventionGenetics, part of Exact Sciences
Classification: Benign. Review status: criteria provided, single submitter. Criteria: ACMG Guidelines, 2015. Collection method: clinical testing. Allele origin: germline.

Dr. Peter K. Rogan Lab, Western University
No classification provided (evidence only). Condition: Malignant lymphoma, large B-cell, diffuse. Review status: no classification provided. Collection method: in vitro. Allele origin: not applicable. Functional consequence: retained intron. Not counted in ClinVar's aggregate classification.

Dr. Peter K. Rogan Lab, Western University
No classification provided (evidence only). Condition: Malignant lymphoma, large B-cell, diffuse. Review status: no classification provided. Collection method: in vitro. Allele origin: not applicable. Functional consequence: retained intron. Not counted in ClinVar's aggregate classification.

Dr. Peter K. Rogan Lab, Western University
No classification provided (evidence only). Condition: Malignant lymphoma, large B-cell, diffuse. Review status: no classification provided. Collection method: in vitro. Allele origin: not applicable. Functional consequence: retained intron. Not counted in ClinVar's aggregate classification.

Dr. Peter K. Rogan Lab, Western University
No classification provided (evidence only). Condition: Hepatocellular carcinoma. Review status: no classification provided. Collection method: in vitro. Allele origin: not applicable. Functional consequence: retained intron. Not counted in ClinVar's aggregate classification.

Dr. Peter K. Rogan Lab, Western University
No classification provided (evidence only). Condition: Cholangiocarcinoma. Review status: no classification provided. Collection method: in vitro. Allele origin: not applicable. Functional consequence: retained intron. Not counted in ClinVar's aggregate classification.

Dr. Peter K. Rogan Lab, Western University
No classification provided (evidence only). Condition: Cholangiocarcinoma. Review status: no classification provided. Collection method: in vitro. Allele origin: not applicable. Functional consequence: retained intron. Not counted in ClinVar's aggregate classification.

Dr. Peter K. Rogan Lab, Western University
No classification provided (evidence only). Condition: Uterine carcinosarcoma. Review status: no classification provided. Collection method: in vitro. Allele origin: not applicable. Functional consequence: retained intron. Not counted in ClinVar's aggregate classification.

Dr. Peter K. Rogan Lab, Western University
No classification provided (evidence only). Condition: Uterine carcinosarcoma. Review status: no classification provided. Collection method: in vitro. Allele origin: not applicable. Functional consequence: retained intron. Not counted in ClinVar's aggregate classification.

Dr. Peter K. Rogan Lab, Western University
No classification provided (evidence only). Condition: Uterine carcinosarcoma. Review status: no classification provided. Collection method: in vitro. Allele origin: not applicable. Functional consequence: retained intron. Not counted in ClinVar's aggregate classification.

Dr. Peter K. Rogan Lab, Western University
No classification provided (evidence only). Condition: Uveal melanoma. Review status: no classification provided. Collection method: in vitro. Allele origin: not applicable. Functional consequence: retained intron. Not counted in ClinVar's aggregate classification.

Dr. Peter K. Rogan Lab, Western University
No classification provided (evidence only). Condition: Uveal melanoma. Review status: no classification provided. Collection method: in vitro. Allele origin: not applicable. Functional consequence: retained intron. Not counted in ClinVar's aggregate classification.

Dr. Peter K. Rogan Lab, Western University
No classification provided (evidence only). Condition: Uveal melanoma. Review status: no classification provided. Collection method: in vitro. Allele origin: not applicable. Functional consequence: retained intron. Not counted in ClinVar's aggregate classification.

Dr. Peter K. Rogan Lab, Western University
No classification provided (evidence only). Condition: Uveal melanoma. Review status: no classification provided. Collection method: in vitro. Allele origin: not applicable. Functional consequence: retained intron. Not counted in ClinVar's aggregate classification.

Dr. Peter K. Rogan Lab, Western University
No classification provided (evidence only). Condition: Uveal melanoma. Review status: no classification provided. Collection method: in vitro. Allele origin: not applicable. Functional consequence: retained intron. Not counted in ClinVar's aggregate classification.

Dr. Peter K. Rogan Lab, Western University
No classification provided (evidence only). Condition: Uveal melanoma. Review status: no classification provided. Collection method: in vitro. Allele origin: not applicable. Functional consequence: retained intron. Not counted in ClinVar's aggregate classification.